The following is an entry in ClinVar:

NM_001113378.2(FANCI):c.2803+6C>T

Gene: FANCI (FA complementation group I; plus strand). Cytogenetic location: 15q26.1.
Variant type: single nucleotide variant.
Coding change: c.2803+6C>T on transcript NM_001113378.2 (MANE Select); 6 bases into the intron after coding-DNA position 2803, C replaced by T.
Molecular consequence: intron variant.
Genome position (GRCh38, 1-based): chr15:89,299,972, C>T. VCF-style: chr15-89299972-C-T. GRCh37 (hg19) VCF-style: chr15-89843203-C-T.
Other names: c.2623+6C>T (NM_018193.3); c.2803+6C>T (NM_001376911.1); c.2524+6C>T (NM_001376910.1).
Identifiers: ClinVar variation 2805519 (VCV002805519.3), dbSNP rs2507843421, ClinGen allele CA2630249501.

ClinVar aggregate classification (germline): Uncertain significance (1 of 4 stars; one submission).

Conditions:
Fanconi anemia (FA). Also called: Fanconi's anemia. Identifiers: Orphanet 84, MedGen C0015625, MeSH D005199, MONDO:0019391.

Allele frequency attached by ClinVar (database versions not stated): gnomAD exomes below 0.00001.

Submission:

Labcorp Genetics (formerly Invitae), Labcorp
Classification: Uncertain significance for Fanconi anemia. Last evaluated: 2022-12-31. Review status: criteria provided, single submitter. Criteria: Invitae Variant Classification Sherloc (09022015). Collection method: clinical testing. Allele origin: germline.
Comment: In summary, the available evidence is currently insufficient to determine the role of this variant in disease. Therefore, it has been classified as a Variant of Uncertain Significance. Variants that disrupt the consensus splice site are a relatively common cause of aberrant splicing (PMID: 17576681, 9536098). Algorithms developed to predict the effect of sequence changes on RNA splicing suggest that this variant is not likely to affect RNA splicing. This variant has not been reported in the literature in individuals affected with FANCI-related conditions. This variant is not present in population databases (gnomAD no frequency). This sequence change falls in intron 25 of the FANCI gene. It does not directly change the encoded amino acid sequence of the FANCI protein. It affects a nucleotide within the consensus splice site.

Literature cited by the submitters: PubMed 17576681; PubMed 9536098.